The following is an entry in ClinVar:

ClinVar aggregate classification (germline): Likely pathogenic (1 of 4 stars; one submission).

Submission:

GeneDx
Classification: Likely pathogenic. Last evaluated: 2017-02-07. Review status: criteria provided, single submitter. Criteria: GeneDx Variant Classification (06012015). Collection method: clinical testing. Allele origin: germline. Affected: yes.
Comment: The c.1635_1643delCAGCCCTGG variant in the COL1A1 gene has not been reported previously as apathogenic variant nor as a benign variant, to our knowledge. The c.1635_1643delCAGCCCTGGvariant results in an in-frame deletion of three amino acid residues, denoted p.S546_G548del. Thisvariant is not predicted to cause loss of normal protein function either through protein truncation ornonsense-mediated mRNA decay. However, the c.1635_1643delCAGCCCTGG variant occurs in aGly-X-Y repeat stretch and multiple other in-frame COL1A1 Gly-X-Y deletions have been reported inthe Human Gene Mutation Database in association with osteogenesis imperfecta (Stenson et al.,2014), supporting the functional importance of these repeats. The c.1635_1643delCAGCCCTGGvariant is not observed in large population cohorts (Lek et al., 2016; 1000 Genomes Consortium etal., 2015; Exome Variant Server). We interpret c.1635_1643delCAGCCCTGG as a likely pathogenicvariant.Genetic Testing ReportGeneDx Accession No: 1673325Date Specimen Obtained: 12/30/2016Date Specimen Received: 1/4/2017Date Test(s) Started: 1/6/2017Date of Report: 2/20/2017GeneDx

NM_000088.4(COL1A1):c.1635_1643del (p.543SPG[1])

Gene: COL1A1 (collagen type I alpha 1 chain; minus strand). Cytogenetic location: 17q21.33.
Variant type: Deletion.
Coding change: c.1635_1643del on transcript NM_000088.4 (MANE Select); coding-DNA positions 1635 to 1643, 9 bases deleted (CAGCCCTGG; older notation c.1635_1643delCAGCCCTGG).
Protein change: p.543SPG[1].
Molecular consequence: inframe deletion.
Genome position (GRCh38, 1-based): chr17:50,194,155-50,194,163, CCAGGGCTG deleted on the plus strand (CAGCCCTGG on the coding strand, the reverse complement: COL1A1 is on the minus strand); deleting any 9 consecutive bases within chr17:50,194,155-50,194,171 gives the same sequence; the c. name uses the placement nearest the transcript's 3' end. VCF-style (leftmost placement, unchanged base first): chr17-50194154-ACCAGGGCTG-A. GRCh37 (hg19) VCF-style: chr17-48271515-ACCAGGGCTG-A.
Other names: c.1635_1643delCAGCCCTGG (NM_000088.3).
Identifiers: ClinVar variation 423281 (VCV000423281.2), dbSNP rs1064796341, ClinGen allele CA16620476.